The following is an entry in ClinVar:

ClinVar aggregate classification (germline): Uncertain significance. Review status: criteria provided, multiple submitters, no conflicts (2 of 4 stars). 2 submissions from 2 submitters: Uncertain significance (2). Last evaluated 2024-04-22.

Conditions:
Charcot-Marie-Tooth disease axonal type 2O. Also called: CHARCOT-MARIE-TOOTH NEUROPATHY, AXONAL, TYPE 2O; CHARCOT-MARIE-TOOTH DISEASE, AXONAL, AUTOSOMAL DOMINANT, TYPE 2O; Charcot-Marie-Tooth disease, axonal, type 20; Charcot-Marie-Tooth Neuropathy Type 2O. Identifiers: Orphanet 284232, MedGen C3280220, MONDO:0013644, OMIM 614228.

Allele frequency attached by ClinVar (database versions not stated): gnomAD exomes below 0.00001; TOPMed below 0.00001; gnomAD 0.00001.
gnomAD v4.1: 5 of 1,613,382 alleles (0.00031%); highest among the groups gnomAD compares: African/African-American, 0.0013%; no homozygotes.

Submissions (2):

Labcorp Genetics (formerly Invitae), Labcorp
Classification: Uncertain significance for Charcot-Marie-Tooth disease axonal type 2O. Last evaluated: 2024-04-22. Review status: criteria provided, single submitter. Criteria: Invitae Variant Classification Sherloc (09022015). Collection method: clinical testing. Allele origin: germline.
Comment: This sequence change replaces arginine, which is basic and polar, with histidine, which is basic and polar, at codon 2729 of the DYNC1H1 protein (p.Arg2729His). This variant is not present in population databases (gnomAD no frequency). This variant has not been reported in the literature in individuals affected with DYNC1H1-related conditions. ClinVar contains an entry for this variant (Variation ID: 392984). Advanced modeling of protein sequence and biophysical properties (such as structural, functional, and spatial information, amino acid conservation, physicochemical variation, residue mobility, and thermodynamic stability) performed at Invitae indicates that this missense variant is expected to disrupt DYNC1H1 protein function with a positive predictive value of 95%. In summary, the available evidence is currently insufficient to determine the role of this variant in disease. Therefore, it has been classified as a Variant of Uncertain Significance.

GeneDx
Classification: Uncertain significance. Last evaluated: 2017-01-13. Review status: criteria provided, single submitter. Criteria: GeneDx Variant Classification (06012015). Collection method: clinical testing. Allele origin: germline. Affected: yes.
Comment: A variant of uncertain significance has been identified in the DYNC1H1 gene. The R2729H variant has not been published as a pathogenic variant, nor has it been reported as a benign variant to our knowledge. The R2729H variant is not observed in large population cohorts (Lek et al., 2016; 1000 Genomes Consortium et al., 2015; Exome Variant Server). This substitution occurs at a position that is conserved across species and in silico analysis predicts this variant is probably damaging to the protein structure/function. However, the R2729H variant is a conservative amino acid substitution, which is not likely to impact secondary protein structure as these residues share similar properties. Therefore, based on the currently available information, it is unclear whether this variant is a pathogenic variant or a rare benign variant.

NM_001376.5(DYNC1H1):c.8186G>A (p.Arg2729His)

Gene: DYNC1H1 (dynein cytoplasmic 1 heavy chain 1; plus strand). Cytogenetic location: 14q32.31.
Variant type: single nucleotide variant.
Coding change: c.8186G>A on transcript NM_001376.5 (MANE Select); coding-DNA position 8186, G replaced by A.
Protein change: p.Arg2729His; replaces arginine 2729 with histidine.
Molecular consequence: missense variant.
Genome position (GRCh38, 1-based): chr14:102,018,459, G>A. VCF-style: chr14-102018459-G-A. GRCh37 (hg19) VCF-style: chr14-102484796-G-A.
Other names: short protein forms R2729H.
Identifiers: ClinVar variation 392984 (VCV000392984.9), dbSNP rs1000550855, ClinGen allele CA16606888.